The following is an entry in ClinVar:

ClinVar aggregate classification (germline): Uncertain significance (1 of 4 stars; one submission).

Allele frequency attached by ClinVar (database versions not stated): gnomAD exomes below 0.00001.
gnomAD v4.1: 2 of 1,614,104 alleles (0.00012%); highest among the groups gnomAD compares: Non-Finnish European, 0.00017%; no homozygotes.

Submission:

GeneDx
Classification: Uncertain significance. Last evaluated: 2021-10-21. Review status: criteria provided, single submitter. Criteria: GeneDx Variant Classification Process June 2021. Collection method: clinical testing. Allele origin: germline. Affected: yes.
Comment: Not observed at significant frequency in large population cohorts (gnomAD); In silico analysis supports that this missense variant has a deleterious effect on protein structure/function; Has not been previously published as pathogenic or benign to our knowledge

NM_000168.6(GLI3):c.4676T>C (p.Ile1559Thr)

Gene: GLI3 (GLI family zinc finger 3; minus strand). Cytogenetic location: 7p14.1.
Variant type: single nucleotide variant.
Coding change: c.4676T>C on transcript NM_000168.6 (MANE Select); coding-DNA position 4676, T replaced by C.
Protein change: p.Ile1559Thr; replaces isoleucine 1559 with threonine.
Molecular consequence: missense variant.
Genome position (GRCh38, 1-based): chr7:41,964,397, A>G on the plus strand (T>C on the coding strand, the complement: GLI3 is on the minus strand). VCF-style: chr7-41964397-A-G. GRCh37 (hg19) VCF-style: chr7-42003995-A-G.
Other names: short protein forms I1559T.
Identifiers: ClinVar variation 1678692 (VCV001678692.2), dbSNP rs2128704689, ClinGen allele CA367314536.
Genomic context (GRCh38, chr7:41,964,397, plus strand): 5'-ATAACTGCAAGGAATTTGCTTTCTTCCGCTAGGGAGGTCAGCAAAGAACTCATGTCCCCG[A>G]TAGCCATGTTGGTGGTGCTCATGGACAGCGCTGGGAATGGGAGGGACGCCCGAGGCGTGG-3'
Protein context (NP_000159.3, residues 1549-1569): ALSMSTTNMA[Ile1559Thr]GDMSSLLTSL